The following is an entry in ClinVar:

NM_014844.5(TECPR2):c.4218C>T (p.Asp1406=)

Gene: TECPR2 (tectonin beta-propeller repeat containing 2; plus strand). Cytogenetic location: 14q32.31.
Variant type: single nucleotide variant.
Coding change: c.4218C>T on transcript NM_014844.5 (MANE Select); coding-DNA position 4218, C replaced by T.
Protein change: p.Asp1406=; no amino-acid change (aspartic acid 1406 retained).
Molecular consequence: synonymous variant.
Genome position (GRCh38, 1-based): chr14:102,498,239, C>T. VCF-style: chr14-102498239-C-T. GRCh37 (hg19) VCF-style: chr14-102964576-C-T.
Other names: c.4218C>T (NM_014844.4).
Identifiers: ClinVar variation 705988 (VCV000705988.13), dbSNP rs781071686, ClinGen allele CA7358497.
Genomic context (GRCh38, chr14:102,498,239, plus strand): 5'-CTCGCACGGCACCCAGAAGAGCAGCCAGGCCGCCATGCCCCACCCTGAGGACCTGGAGGA[C>T]GAGTGGGAGGTCATCTGAAGGAGCCCTGGCCGAGTCACGCGGAGGGGCCCGGCGTCTGTG-3'
Protein context (NP_055659.2, residues 1396-1411): AAMPHPEDLE[Asp1406=]EWEVI

ClinVar aggregate classification (germline): Likely benign. Review status: criteria provided, single submitter (1 of 4 stars). 2 submissions from 2 submitters: Likely benign (1). 1 of the submissions does not count toward it. Last evaluated 2024-01-03.

Conditions:
Hereditary spastic paraplegia 49 (HSAN9). Also called: TECPR2-Related Hereditary Sensory and Autonomic Neuropathy with Intellectual Disability; Spastic paraplegia 49, autosomal recessive; NEUROPATHY, HEREDITARY SENSORY AND AUTONOMIC, TYPE IX, WITH DEVELOPMENTAL DELAY. Identifiers: Orphanet 320385, MedGen C5190860, MONDO:0014016, OMIM 615031.
TECPR2-related disorder. Also called: TECPR2-related condition.

Allele frequency attached by ClinVar (database versions not stated): TOPMed below 0.00001; ExAC 0.00001; gnomAD exomes 0.00001.
gnomAD v4.1: 29 of 1,603,048 alleles (0.0018%); highest among the groups gnomAD compares: East Asian, 0.0045%; no homozygotes.

Submissions (2):

Labcorp Genetics (formerly Invitae), Labcorp
Classification: Likely benign for Hereditary spastic paraplegia 49. Last evaluated: 2024-01-03. Review status: criteria provided, single submitter. Criteria: Invitae Variant Classification Sherloc (09022015). Collection method: clinical testing. Allele origin: germline.

PreventionGenetics, part of Exact Sciences
Classification: Likely benign for TECPR2-related condition. Last evaluated: 2022-10-18. Review status: no assertion criteria provided. Collection method: clinical testing. Allele origin: germline. Not counted in ClinVar's aggregate classification.
Comment: This variant is classified as likely benign based on ACMG/AMP sequence variant interpretation guidelines (Richards et al. 2015 PMID: 25741868, with internal and published modifications).